The following is an entry in ClinVar:

NM_004706.4(ARHGEF1):c.745-8T>G

Gene: ARHGEF1 (Rho guanine nucleotide exchange factor 1; plus strand). Cytogenetic location: 19q13.2.
Variant type: single nucleotide variant.
Coding change: c.745-8T>G on transcript NM_004706.4 (MANE Select); 8 bases into the intron before coding-DNA position 745, T replaced by G.
Molecular consequence: intron variant.
Genome position (GRCh38, 1-based): chr19:41,894,443, T>G. VCF-style: chr19-41894443-T-G. GRCh37 (hg19) VCF-style: chr19-42398516-T-G.
Other names: c.745-8T>G (NM_001396003.1, NM_001396000.1, NM_001396006.1); c.646-8T>G (NM_001396002.1, NM_198977.2, NM_001396004.1); c.790-8T>G (NM_199002.2).
Identifiers: ClinVar variation 2730484 (VCV002730484.3), dbSNP rs2074443471, ClinGen allele CA2585356488.

ClinVar aggregate classification (germline): Uncertain significance (1 of 4 stars; one submission).

Allele frequency attached by ClinVar (database versions not stated): gnomAD exomes below 0.00001.
gnomAD v4.1: 1 of 1,550,354 alleles (0.000065%); highest among the groups gnomAD compares: South Asian, 0.0012%; no homozygotes.

Submission:

Labcorp Genetics (formerly Invitae), Labcorp
Classification: Uncertain significance. Last evaluated: 2023-06-27. Review status: criteria provided, single submitter. Criteria: Invitae Variant Classification Sherloc (09022015). Collection method: clinical testing. Allele origin: germline.
Comment: This sequence change falls in intron 9 of the ARHGEF1 gene. It does not directly change the encoded amino acid sequence of the ARHGEF1 protein. This variant is not present in population databases (gnomAD no frequency). This variant has not been reported in the literature in individuals affected with ARHGEF1-related conditions. Algorithms developed to predict the effect of sequence changes on RNA splicing suggest that this variant may create or strengthen a splice site. In summary, the available evidence is currently insufficient to determine the role of this variant in disease. Therefore, it has been classified as a Variant of Uncertain Significance.